The following is an entry in ClinVar:

ClinVar aggregate classification (germline): Likely benign (1 of 4 stars; one submission).

Allele frequency attached by ClinVar (database versions not stated): gnomAD exomes 0.00015; ExAC 0.00016; ESP Exome Variant Server 0.00017; gnomAD 0.00017; TOPMed 0.00022.
gnomAD v4.1: 247 of 1,614,242 alleles (0.015%); highest among the groups gnomAD compares: Middle Eastern, 0.15%; no homozygotes.

Submission:

CeGaT Center for Human Genetics Tuebingen
Classification: Likely benign. Last evaluated: 2023-10-01. Review status: criteria provided, single submitter. Criteria: CeGaT Center For Human Genetics Tuebingen Variant Classification Criteria Version 2. Collection method: clinical testing. Allele origin: germline. Affected: yes. Observed: 1 variant allele.
Comment: METTL6: BP4, BP7

NM_152396.4(METTL6):c.93T>C (p.Asp31=)

Gene: METTL6 (methyltransferase 6, tRNA N3-cytidine; minus strand). Cytogenetic location: 3p25.1.
Variant type: single nucleotide variant.
Coding change: c.93T>C on transcript NM_152396.4 (MANE Select); coding-DNA position 93, T replaced by C.
Protein change: p.Asp31=; no amino-acid change (aspartic acid 31 retained).
Molecular consequence: synonymous variant.
Genome position (GRCh38, 1-based): chr3:15,426,419, A>G on the plus strand (T>C on the coding strand, the complement: METTL6 is on the minus strand). VCF-style: chr3-15426419-A-G. GRCh37 (hg19) VCF-style: chr3-15467926-A-G.
Other names: c.93T>C, p.Asp31= (NM_001301790.2, NM_001301791.2, NM_001301792.2 and 1 more transcripts).
Identifiers: ClinVar variation 2653596 (VCV002653596.24), dbSNP rs373785631, ClinGen allele CA2275485.